The following is an entry in ClinVar:

ClinVar aggregate classification (germline): Pathogenic. Review status: reviewed by expert panel (3 of 4 stars). 3 submissions from 3 submitters: Pathogenic (1). 2 of the submissions do not count toward it. Last evaluated 2019-09-29.

Conditions:
Phenylketonuria (PKU). Also called: Phenylketonuria (PKU); FOLLING DISEASE; OLIGOPHRENIA PHENYLPYRUVICA; Phenylketonurias. Identifiers: Orphanet 716, MedGen C0031485, MONDO:0009861, OMIM 261600. Disease mechanism: loss of function.

Submissions (3):

ClinGen PAH Variant Curation Expert Panel
Classification: Pathogenic for Phenylketonuria. Last evaluated: 2019-09-29. Review status: reviewed by expert panel. Criteria: ClinGen PAH ACMG Specifications v1. Collection method: curation. Allele origin: germline. Inheritance: Autosomal recessive inheritance.
Comment: The c.912+2T>C variant in PAH is reported Likely Pathogenic in ClinVar (see variant ID 120292) by one laboratory, which states that it was found in a PKU patient but does not provide further information to support their classification. BH4 deficiency does not appear to have been formally excluded (PMID: 12655552) (PP4). The variant was found as a single (heterozygous) variant with the known pathogenic p.R408W allele (see ClinVar variant ID 577) (PM3); phase was confirmed via parental testing. The variant is a null variant (canonical +2 splice site) in a gene where LOF is a known mechanism of disease, exon skipping disrupts reading frame, and is predicted to undergo NMD. Coding exon 8 is present in biologically-relevant transcript (PVS1). It is absent from ethnically diverse control databases, including gnomAD/ExAC, 1000 Genomes, and ESP (PM2). In summary, this variant meets criteria to be classified as pathogenic for PAH. PAH-specific ACMG/AMP criteria applied: PVS1, PM2, PM3, PP4.

Centre for Mendelian Genomics, University Medical Centre Ljubljana
Classification: Likely pathogenic for Phenylketonuria. Last evaluated: 2019-06-24. Review status: criteria provided, single submitter. Criteria: ACMG Guidelines, 2015. Collection method: clinical testing. Allele origin: unknown. Affected: yes. Not counted in ClinVar's aggregate classification.
Comment: This variant was classified as: Likely pathogenic. The following ACMG criteria were applied in classifying this variant: PVS1,PM2.

Inserm U 954, Faculté de Médecine de Nancy
Classification: Likely pathogenic for Phenylketonuria. Review status: no assertion criteria provided. Collection method: not provided. Allele origin: unknown. Not counted in ClinVar's aggregate classification.
ClinVar note: Converted during submission from probable-pathogenic to Likely pathogenic.

Literature cited by the submitters: PubMed 12655552 (cited by ClinGen PAH Variant Curation Expert Panel).

NM_000277.3(PAH):c.912+2T>C

Genes: PAH (phenylalanine hydroxylase; minus strand), LOC126861615 (CDK7 strongly-dependent group 2 enhancer GRCh37_chr12:103244689-103245888; plus strand). Cytogenetic location: 12q23.2.
Variant type: single nucleotide variant.
Coding change: c.912+2T>C on transcript NM_000277.3 (MANE Select); the canonical splice donor site of the intron after coding-DNA position 912, T replaced by C.
Molecular consequence: splice donor variant.
Genome position (GRCh38, 1-based): chr12:102,851,685, A>G on the plus strand (T>C on the coding strand, the complement: PAH is on the minus strand). VCF-style: chr12-102851685-A-G. GRCh37 (hg19) VCF-style: chr12-103245463-A-G.
Other names: c.912+2T>C (NM_001354304.2).
Identifiers: ClinVar variation 120292 (VCV000120292.6), dbSNP rs281865449, ClinGen allele CA267684.